The following is an entry in ClinVar:

NM_002890.3(RASA1):c.539+2dup

Gene: RASA1 (RAS p21 protein activator 1; plus strand). Cytogenetic location: 5q14.3.
Variant type: Duplication.
Coding change: c.539+2dup on transcript NM_002890.3 (MANE Select); the canonical splice donor site of the intron after coding-DNA position 539, one base duplicated (T; older notation c.539+2dupT).
Molecular consequence: splice donor variant. On other transcripts: 5 prime UTR variant (1).
Genome position (GRCh38, 1-based): chr5:87,268,992, T duplicated. VCF-style (leftmost placement, unchanged base first): chr5-87268991-G-GT. GRCh37 (hg19) VCF-style: chr5-86564808-G-GT.
Other names: c.-56dup (NM_022650.3).
Identifiers: ClinVar variation 4974638 (VCV004974638.1).
Genomic context (GRCh38, chr5:87,268,991, plus strand): 5'-TGGACCAGAATACGAGGAGGAAGAGGTGGCCATACCGTTGACCGCTCCTCCAACTAACCA[G>GT]TAAGTTAAGACTGCTGTTCAGGAATTTGGGAAGCTGGCTCCAGAAAAGAAGTGGAAATGA-3'

ClinVar aggregate classification (germline): Uncertain significance (1 of 4 stars; one submission).

Conditions:
Capillary malformation-arteriovenous malformation 1 (CMAVM1). Identifiers: Orphanet 137667, Orphanet 693907, MedGen C4747394, MONDO:0020783, OMIM 608354.

Submission:

Clinical Genomics Laboratory, Washington University in St. Louis
Classification: Uncertain significance for Capillary malformation-arteriovenous malformation 1. Last evaluated: 2026-03-27. Review status: criteria provided, single submitter. Criteria: ACMG Guidelines, 2015. Collection method: clinical testing. Allele origin: germline.
Comment: A RASA1 c.539+2dup variant was identified at a near heterozygous allelic fraction of 55.1%, a frequency which may be consistent with it being of germline origin. The RASA1 c.539+2dup variant, to our knowledge, has not been reported in the medical literature. This variant is absent from the general population (gnomAD v4.1.0), indicating it is not a common variant. Computational predictors indicate that this variant would alter splicing, evidence that correlates to an impact of this variant on RASA1 function. Due to limited information, and based on ACMG/AMP guidelines for variant interpretation (Richards S et al., PMID: 25741868), the clinical significance of this variant is uncertain at this time.